The following is an entry in ClinVar:

NM_004006.3(DMD):c.709del (p.Gln237fs)

Gene: DMD (dystrophin; minus strand). Cytogenetic location: Xp21.1.
Variant type: Deletion.
Coding change: c.709del on transcript NM_004006.3 (MANE Select); coding-DNA position 709, one base deleted (C; older notation c.709delC).
Protein change: p.Gln237fs; shifts the reading frame from glutamine 237.
Molecular consequence: frameshift variant.
Genome position (GRCh38, 1-based): chrX:32,699,234, G deleted on the plus strand (C on the coding strand, the reverse complement: DMD is on the minus strand); the first of 2 consecutive G bases (chrX:32,699,234-32,699,235); deleting either gives the same sequence. VCF-style (leftmost placement, unchanged base first): chrX-32699233-TG-T. GRCh37 (hg19) VCF-style: chrX-32717350-TG-T.
Other names: c.685del, p.Gln229fs (NM_000109.4); c.697del, p.Gln233fs (NM_004009.3); c.340del, p.Gln114fs (NM_004010.3); short protein forms Q114fs, Q229fs, Q233fs, Q237fs.
Identifiers: ClinVar variation 803942 (VCV000803942.2), dbSNP rs1603150993, ClinGen allele CA915950876.

ClinVar aggregate classification (germline): Pathogenic. Review status: criteria provided, multiple submitters, no conflicts (2 of 4 stars). 2 submissions from 2 submitters: Pathogenic (2). Last evaluated 2022-12-16.

Conditions:
Duchenne muscular dystrophy (DMD). Also called: Duchenne Muscular Dystrophy (DMD); MUSCULAR DYSTROPHY, PSEUDOHYPERTROPHIC PROGRESSIVE, DUCHENNE TYPE. Identifiers: Orphanet 98896, MedGen C0013264, MONDO:0010679, OMIM 310200.

Submissions (2):

Laboratory of Medical Genetics, National & Kapodistrian University of Athens
Classification: Pathogenic for Duchenne muscular dystrophy. Last evaluated: 2022-12-16. Review status: criteria provided, single submitter. Criteria: ACMG Guidelines, 2015. Collection method: clinical testing. Allele origin: germline. Affected: yes.
Comment: PVS1, PM2, PP5

Mendelics
Classification: Pathogenic for Duchenne muscular dystrophy. Last evaluated: 2019-05-28. Review status: criteria provided, single submitter. Criteria: Mendelics Assertion Criteria 2017. Collection method: clinical testing. Allele origin: unknown.